The following is an entry in ClinVar:

ClinVar aggregate classification (germline): Uncertain significance. Review status: criteria provided, single submitter (1 of 4 stars). 2 submissions from 2 submitters: Uncertain significance (1). 1 of the submissions does not count toward it. Last evaluated 2025-11-22.

Conditions:
3-Methylglutaconic aciduria type 3 (MGCA3). Also called: OPA3, AUTOSOMAL RECESSIVE; OPTIC ATROPHY 3, AUTOSOMAL RECESSIVE; Costeff Syndrome; OPA3-Related 3-Methylglutaconic Aciduria. Identifiers: Orphanet 67047, MedGen C0574084, MONDO:0009787, OMIM 258501.
Optic atrophy 3 (OPA3). Also called: OPTIC ATROPHY 3, AUTOSOMAL DOMINANT; Optic atrophy 3 with cataract; Optic atrophy, cataract, and neurologic disorder. Identifiers: Orphanet 67036, MedGen C1833809, MONDO:0008133, OMIM 165300.

Allele frequency attached by ClinVar (database versions not stated): gnomAD exomes 0.00001 and 0.00002; TOPMed 0.00002; gnomAD 0.00005 and 0.00006; 1000 Genomes Project 30x 0.00031; 1000 Genomes Project 0.00060.
gnomAD v4.1: 22 of 1,606,872 alleles (0.0014%); highest among the groups gnomAD compares: African/African-American, 0.027%; no homozygotes.

Submissions (2):

Labcorp Genetics (formerly Invitae), Labcorp
Classification: Uncertain significance for 3-Methylglutaconic aciduria type 3; Optic atrophy 3. Last evaluated: 2025-11-22. Review status: criteria provided, single submitter. Criteria: Invitae Variant Classification Sherloc (09022015). Collection method: clinical testing. Allele origin: germline.
Comment: This sequence change replaces alanine, which is neutral and non-polar, with valine, which is neutral and non-polar, at codon 143 of the OPA3 protein (p.Ala143Val). The frequency data for this variant in the population databases is considered unreliable, as metrics indicate poor data quality at this position in the gnomAD database. This variant has not been reported in the literature in individuals affected with OPA3-related conditions. ClinVar contains an entry for this variant (Variation ID: 1004425). An algorithm developed to predict the effect of missense changes on protein structure and function (PolyPhen-2) suggests that this variant is likely to be tolerated. In summary, the available evidence is currently insufficient to determine the role of this variant in disease. Therefore, it has been classified as a Variant of Uncertain Significance.

Natera, Inc.
Classification: Uncertain significance for 3-methylglutaconic aciduria type 3. Last evaluated: 2021-01-02. Review status: no assertion criteria provided. Collection method: clinical testing. Allele origin: germline. Not counted in ClinVar's aggregate classification.

NM_025136.4(OPA3):c.428C>T (p.Ala143Val)

Genes: OPA3 (outer mitochondrial membrane lipid metabolism regulator OPA3; minus strand), OPA3-RTN2 (OPA3-RTN2 readthrough; minus strand). Cytogenetic location: 19q13.32.
Variant type: single nucleotide variant.
Coding change: c.428C>T on transcript NM_025136.4 (MANE Select); coding-DNA position 428, C replaced by T.
Protein change: p.Ala143Val; replaces alanine 143 with valine.
Molecular consequence: missense variant. On other transcripts: intron variant (1).
Genome position (GRCh38, 1-based): chr19:45,553,626, G>A on the plus strand (C>T on the coding strand, the complement: OPA3 is on the minus strand). VCF-style: chr19-45553626-G-A. GRCh37 (hg19) VCF-style: chr19-46056884-G-A.
Other names: c.143-24170C>T (NM_001017989.3); short protein forms A143V.
Identifiers: ClinVar variation 1004425 (VCV001004425.6), dbSNP rs553598004, ClinGen allele CA308958795.